The following is an entry in ClinVar:

ClinVar aggregate classification (germline): Uncertain significance (1 of 4 stars; one submission).

Allele frequency attached by ClinVar (database versions not stated): TOPMed below 0.00001; gnomAD exomes 0.00001.

Submission:

Labcorp Genetics (formerly Invitae), Labcorp
Classification: Uncertain significance. Last evaluated: 2022-08-20. Review status: criteria provided, single submitter. Criteria: Invitae Variant Classification Sherloc (09022015). Collection method: clinical testing. Allele origin: germline.
Comment: In summary, the available evidence is currently insufficient to determine the role of this variant in disease. Therefore, it has been classified as a Variant of Uncertain Significance. Algorithms developed to predict the effect of missense changes on protein structure and function output the following: SIFT: "Tolerated"; PolyPhen-2: "Benign"; Align-GVGD: "Class C0". The lysine amino acid residue is found in multiple mammalian species, which suggests that this missense change does not adversely affect protein function. This variant has not been reported in the literature in individuals affected with HMCN1-related conditions. This variant is present in population databases (no rsID available, gnomAD 0.003%). This sequence change replaces glutamic acid, which is acidic and polar, with lysine, which is basic and polar, at codon 4657 of the HMCN1 protein (p.Glu4657Lys).

NM_031935.3(HMCN1):c.13969G>A (p.Glu4657Lys)

Gene: HMCN1 (hemicentin 1; plus strand). Cytogenetic location: 1q31.1.
Variant type: single nucleotide variant.
Coding change: c.13969G>A on transcript NM_031935.3 (MANE Select); coding-DNA position 13969, G replaced by A.
Protein change: p.Glu4657Lys; replaces glutamic acid 4657 with lysine.
Molecular consequence: missense variant.
Genome position (GRCh38, 1-based): chr1:186,144,217, G>A. VCF-style: chr1-186144217-G-A. GRCh37 (hg19) VCF-style: chr1-186113349-G-A.
Other names: short protein forms E4657K.
Identifiers: ClinVar variation 1953130 (VCV001953130.5), dbSNP rs1183965155, ClinGen allele CA343914325.